The following is an entry in ClinVar:

ClinVar aggregate classification (germline): Benign/Likely benign. Review status: criteria provided, multiple submitters, no conflicts (2 of 4 stars). 14 submissions from 14 submitters: Benign (10); Likely benign (3). 1 of the submissions does not count toward it. Last evaluated 2026-09-01.

Conditions:
Arrhythmogenic right ventricular cardiomyopathy (ARVD). Also called: Arrhythmogenic Right Ventricular Cardiomyopathy (ARVC); Cardiomyopathy, ARVC; Arrhythmogenic right ventricular dysplasia; Arrhythmogenic cardiomyopathy. Identifiers: Orphanet 247, MedGen C0349788, MeSH D019571, MONDO:0016587. Disease mechanism: loss of function. Inheritance: Various modes of inheritance.
Cardiomyopathy (CMYO). Also called: Cardiomyopathies. Identifiers: Orphanet 167848, MedGen C0878544, MONDO:0004994, HP:0001638. Inheritance: Various modes of inheritance.
Arrhythmogenic right ventricular dysplasia 9 (ARVD9). Also called: Arrhythmogenic Right Ventricular Dysplasia/Cardiomyopathy 9; ARRHYTHMOGENIC RIGHT VENTRICULAR DYSPLASIA, FAMILIAL, 9. Identifiers: MedGen C1836906, MONDO:0012180, OMIM 609040.

Allele frequency attached by ClinVar (database versions not stated): TOPMed 0.00475; 1000 Genomes Project 0.00559; gnomAD exomes 0.00105; ESP Exome Variant Server 0.00446; 1000 Genomes Project 30x 0.00547; ExAC 0.00138; gnomAD 0.00397 and 0.00423.
gnomAD v4.1: 1,232 of 1,613,996 alleles (0.076%); highest among the groups gnomAD compares: African/African-American, 1.4%; 10 homozygotes.

Submissions (14):

CeGaT Center for Human Genetics Tuebingen
Classification: Likely benign. Last evaluated: 2026-09-01. Review status: criteria provided, single submitter. Criteria: CeGaT Center For Human Genetics Tuebingen Variant Classification Criteria Version 2. Collection method: clinical testing. Allele origin: germline. Affected: yes. Observed: 6 variant alleles.
Comment: PKP2: BP4, BP7, BS1

Labcorp Genetics (formerly Invitae), Labcorp
Classification: Benign for Arrhythmogenic right ventricular dysplasia 9. Last evaluated: 2026-02-03. Review status: criteria provided, single submitter. Criteria: Invitae Variant Classification Sherloc (09022015). Collection method: clinical testing. Allele origin: germline.

ARUP Laboratories, Molecular Genetics and Genomics, ARUP Laboratories
Classification: Benign for Arrhythmogenic right ventricular dysplasia 9. Last evaluated: 2025-06-25. Review status: criteria provided, single submitter. Criteria: ARUP Molecular Germline Variant Investigation Process 2024. Collection method: clinical testing. Allele origin: germline.

Molecular Diagnostic Laboratory for Inherited Cardiovascular Disease, Montreal Heart Institute
Classification: Benign. Last evaluated: 2025-04-09. Review status: criteria provided, single submitter. Criteria: ACMG Guidelines, 2015. Collection method: clinical testing. Allele origin: germline. Affected: no.

Blueprint Genetics
Classification: Likely benign. Last evaluated: 2024-11-26. Review status: criteria provided, single submitter. Criteria: ACMG Guidelines, 2015. Collection method: clinical testing. Allele origin: germline.

All of Us Research Program, National Institutes of Health
Classification: Benign for Arrhythmogenic right ventricular cardiomyopathy. Last evaluated: 2024-02-05. Review status: criteria provided, single submitter. Criteria: ACMG Guidelines, 2015. Collection method: clinical testing. Allele origin: germline. Inheritance: Autosomal dominant inheritance. Observed: 243 variant alleles, 240 heterozygotes, 3 homozygotes.
Comment: This study involves interpretation of variants in research participants for the purpose of population health screening. Participant phenotype was not available at the time of variant classification. Additional details can be found in publication PMID: 35346344, PMCID: PMC8962531

Mayo Clinic Laboratories, Mayo Clinic
Classification: Benign. Last evaluated: 2022-09-21. Review status: criteria provided, single submitter. Criteria: ACMG Guidelines, 2015. Collection method: clinical testing. Allele origin: germline. Observed: 11 variant alleles.
Comment: BS1, BS2, BP4, BP7

CHEO Genetics Diagnostic Laboratory, Children's Hospital of Eastern Ontario
Classification: Benign for Cardiomyopathy. Last evaluated: 2019-04-01. Review status: criteria provided, single submitter. Criteria: ACMG Guidelines, 2015. Collection method: clinical testing. Allele origin: germline.

Color Diagnostics, LLC DBA Color Health
Classification: Benign for Cardiomyopathy. Last evaluated: 2018-03-08. Review status: criteria provided, single submitter. Criteria: ACMG Guidelines, 2015. Collection method: clinical testing. Allele origin: germline.

Illumina Laboratory Services, Illumina
Classification: Likely benign for Arrhythmogenic right ventricular dysplasia 9. Last evaluated: 2018-01-12. Review status: criteria provided, single submitter. Criteria: ICSL Variant Classification Criteria 13 December 2019. Collection method: clinical testing. Allele origin: germline.
Comment: This variant was observed in the ICSL laboratory as part of a predisposition screen in an ostensibly healthy population. It had not been previously curated by ICSL or reported in the Human Gene Mutation Database (HGMD: prior to June 1st, 2018), and was therefore a candidate for classification through an automated scoring system. Utilizing variant allele frequency, disease prevalence and penetrance estimates, and inheritance mode, an automated score was calculated to assess if this variant is too frequent to cause the disease. Based on the score and internal cut-off values, a variant classified as likely benign is not then subjected to further curation. The score for this variant resulted in a classification of likely benign for this disease.

Clinical Genetics DNA and cytogenetics Diagnostics Lab, Erasmus MC, Erasmus Medical Center
Classification: Benign for Arrhythmogenic right ventricular dysplasia 9. Last evaluated: 2017-06-28. Review status: criteria provided, single submitter. Criteria: ACGS Guidelines, 2013. Collection method: clinical testing. Allele origin: germline. Affected: yes. Study: VKGL Data-share Consensus.

GeneDx
Classification: Benign. Last evaluated: 2014-03-26. Review status: criteria provided, single submitter. Criteria: GeneDx Variant Classification (06012015). Collection method: clinical testing. Allele origin: germline. Affected: yes.
Comment: This variant is considered likely benign or benign based on one or more of the following criteria: it is a conservative change, it occurs at a poorly conserved position in the protein, it is predicted to be benign by multiple in silico algorithms, and/or has population frequency not consistent with disease.

Laboratory for Molecular Medicine, Mass General Brigham Personalized Medicine
Classification: Benign. Last evaluated: 2012-03-19. Review status: criteria provided, single submitter. Criteria: LMM Criteria. Collection method: clinical testing. Allele origin: germline. Observed: 9 variant alleles.
Comment: p.Ala372Ala in Exon 04 of PKP2: This variant is not expected to have clinical si gnificance because it does not alter an amino acid residue, is not located withi n the splice consensus sequence and has been identified in 1.2% (45/3738) of Afr ican American chromosomes from a broad population by the NHLBI Exome Sequencing Project (dbSNP rs142742483).

Clinical Genetics, Academic Medical Center
Classification: Benign. Review status: no assertion criteria provided. Collection method: clinical testing. Allele origin: germline. Affected: yes. Study: VKGL Data-share Consensus. Not counted in ClinVar's aggregate classification.

NM_001005242.3(PKP2):c.1116T>C (p.Ala372=)

Gene: PKP2 (plakophilin 2; minus strand). Cytogenetic location: 12p11.21.
Variant type: single nucleotide variant.
Coding change: c.1116T>C on transcript NM_001005242.3 (MANE Select); coding-DNA position 1116, T replaced by C.
Protein change: p.Ala372=; no amino-acid change (alanine 372 retained).
Molecular consequence: synonymous variant.
Genome position (GRCh38, 1-based): chr12:32,868,981, A>G on the plus strand (T>C on the coding strand, the complement: PKP2 is on the minus strand). VCF-style: chr12-32868981-A-G. GRCh37 (hg19) VCF-style: chr12-33021915-A-G.
Other names: p.A372A:GCT>GCC; p.Ala372=; c.1116T>C, p.Ala372= (NM_004572.4); c.1116T>C (NM_001005242.2).
Identifiers: ClinVar variation 45008 (VCV000045008.60), dbSNP rs142742483, ClinGen allele CA010793.